The following is an entry in ClinVar:

NM_002878.4(RAD51D):c.117A>T (p.Val39=)

Genes: RAD51L3-RFFL (RAD51L3-RFFL readthrough; minus strand), RAD51D (RAD51 paralog D; minus strand). Cytogenetic location: 17q12.
Variant type: single nucleotide variant.
Coding change: c.117A>T on transcript NM_002878.4 (MANE Select); coding-DNA position 117, A replaced by T.
Protein change: p.Val39=; no amino-acid change (valine 39 retained).
Molecular consequence: synonymous variant. On other transcripts: non-coding transcript variant (2).
Genome position (GRCh38, 1-based): chr17:35,119,138, T>A on the plus strand (A>T on the coding strand, the complement: RAD51D is on the minus strand). VCF-style: chr17-35119138-T-A. GRCh37 (hg19) VCF-style: chr17-33446157-T-A.
Other names: c.117A>T, p.Val39= (NM_001142571.2, NM_133629.3).
Identifiers: ClinVar variation 232818 (VCV000232818.17), dbSNP rs876660008, ClinGen allele CA10580471.

ClinVar aggregate classification (germline): Benign/Likely benign. Review status: criteria provided, multiple submitters, no conflicts (2 of 4 stars). 3 submissions from 3 submitters: Benign (1); Likely benign (2). Last evaluated 2025-06-14.

Conditions:
Hereditary cancer-predisposing syndrome. Also called: Neoplastic Syndromes, Hereditary; Tumor predisposition; Hereditary Cancer Syndrome; Hereditary neoplastic syndrome. Identifiers: Orphanet 140162, MedGen C0027672, MeSH D009386, MONDO:0015356.
Breast-ovarian cancer, familial, susceptibility to, 4. Identifiers: Orphanet 145, MedGen C3280345, MONDO:0013669, OMIM 614291.

Allele frequency attached by ClinVar (database versions not stated): gnomAD 0.00001; TOPMed 0.00001.
gnomAD v4.1: 6 of 1,613,850 alleles (0.00037%); highest among the groups gnomAD compares: Non-Finnish European, 0.00051%; no homozygotes.

Submissions (3):

Labcorp Genetics (formerly Invitae), Labcorp
Classification: Likely benign for Breast-ovarian cancer, familial, susceptibility to, 4. Last evaluated: 2025-06-14. Review status: criteria provided, single submitter. Criteria: Invitae Variant Classification Sherloc (09022015). Collection method: clinical testing. Allele origin: germline.

Myriad Genetics, Inc.
Classification: Benign for Breast-ovarian cancer, familial, susceptibility to, 4. Last evaluated: 2025-02-20. Review status: criteria provided, single submitter. Criteria: Myriad Autosomal Dominant, Autosomal Recessive and X-Linked Classification Criteria (2023). Collection method: clinical testing. Allele origin: unknown.
Comment: This variant is considered benign. This variant is a silent/synonymous amino acid change and it is not expected to impact splicing.

Ambry Genetics
Classification: Likely benign for Hereditary cancer-predisposing syndrome. Last evaluated: 2015-07-03. Review status: criteria provided, single submitter. Criteria: Ambry Variant Classification Scheme 2023. Collection method: clinical testing. Allele origin: germline.

Literature cited by the submitters: PubMed 23372765 (cited by Ambry Genetics).